The following is an entry in ClinVar:

NM_206933.4(USH2A):c.1469A>C (p.His490Pro)

Gene: USH2A (usherin; minus strand). Cytogenetic location: 1q41.
Variant type: single nucleotide variant.
Coding change: c.1469A>C on transcript NM_206933.4 (MANE Select); coding-DNA position 1469, A replaced by C.
Protein change: p.His490Pro; replaces histidine 490 with proline.
Molecular consequence: missense variant.
Genome position (GRCh38, 1-based): chr1:216,323,555, T>G on the plus strand (A>C on the coding strand, the complement: USH2A is on the minus strand). VCF-style: chr1-216323555-T-G. GRCh37 (hg19) VCF-style: chr1-216496897-T-G.
Other names: c.1469A>C, p.His490Pro (NM_007123.6); short protein forms H490P.
Identifiers: ClinVar variation 1806374 (VCV001806374.1), dbSNP rs2527433800, ClinGen allele CA344909839.
Genomic context (GRCh38, chr1:216,323,555, plus strand): 5'-TCCACTGCATAATATCTGTGTCTGAGGTTAACAGCAGTCTCAGTTGTATAGTACTGCCCA[T>G]GAAAATGAAACCTTATTTGCGTGGCTTTTACGAACTCTTGAAGAGATGGGGTATTATAGA-3'
Protein context (NP_996816.3, residues 480-500): VKATQIRFHF[His490Pro]GQYYTTETAV

ClinVar aggregate classification (germline): Uncertain significance (1 of 4 stars; one submission).

Conditions:
Usher syndrome type 2A. Also called: USHER SYNDROME, TYPE IIA; RETINAL DISEASE IN USHER SYNDROME TYPE IIA, MODIFIER OF. Identifiers: Orphanet 231178, Orphanet 886, MedGen C1848634, MONDO:0010169, OMIM 276901.

Allele frequency attached by ClinVar (database versions not stated): gnomAD exomes below 0.00001.
gnomAD v4.1: 4 of 1,613,544 alleles (0.00025%); highest among the groups gnomAD compares: Non-Finnish European, 0.00034%; no homozygotes.

Submission:

Victorian Clinical Genetics Services, Murdoch Childrens Research Institute
Classification: Uncertain significance for Usher syndrome type 2A. Last evaluated: 2021-05-06. Review status: criteria provided, single submitter. Criteria: ACMG Guidelines, 2015. Collection method: clinical testing. Allele origin: germline. Inheritance: Autosomal recessive inheritance. Affected: yes.
Comment: Based on the classification scheme VCGS_Germline_v1.3.4, this variant is classified as VUS-3A. Following criteria are met: 0102 - Loss of function is a known mechanism of disease in this gene and is associated with Usher syndrome, type 2A (MIM#276901) and retinitis pigmentosa 39 (MIM#613809). (I) 0106 - This gene is associated with autosomal recessive disease. (I) 0200 - Variant is predicted to result in a missense amino acid change from histidine to proline. (I) 0251 - This variant is heterozygous. (I) 0301 - Variant is absent from gnomAD (both v2 and v3). (SP) 0309 - An alternative amino acid change at the same position has been observed in gnomAD (v2) (1 heterozygote, 0 homozygotes). (I) 0502 - Missense variant with conflicting in silico predictions and uninformative conservation. (I) 0600 - Variant is located in the annotated laminin N-terminal domain (PDB). (I) 0709 - Another missense variant comparable to the one identified in this case has previous evidence for being benign. This alternative missense variant (p.His490Asn) has been reported as likely benign (deafnessvariationdatabase). (SB) 0807 - This variant has no previous evidence of pathogenicity. (I) 0905 - No published segregation evidence has been identified for this variant. (I) 1007 - No published functional evidence has been identified for this variant. (I) 1102 - Strong phenotype match for this patient. (SP) 1201 - Heterozygous variant detected in trans with a second pathogenic heterozygous variant in a recessive disease. (I) Legend: (SP) - Supporting pathogenic, (I) - Information, (SB) - Supporting benign